The following is an entry in ClinVar:

ClinVar aggregate classification (germline): Pathogenic/Likely pathogenic. Review status: criteria provided, multiple submitters, no conflicts (2 of 4 stars). 3 submissions from 3 submitters: Pathogenic (1); Likely pathogenic (1). 1 of the submissions does not count toward it. Last evaluated 2020-10-23.

Submissions (3):

Institute of Medical Genetics and Applied Genomics, University Hospital Tübingen
Classification: Pathogenic. Last evaluated: 2020-10-23. Review status: criteria provided, single submitter. Criteria: ACMG Guidelines, 2015. Collection method: clinical testing. Allele origin: germline. Inheritance: X-linked inheritance. Affected: yes.

GeneDx
Classification: Likely pathogenic. Last evaluated: 2019-12-17. Review status: criteria provided, single submitter. Criteria: GeneDx Variant Classification Process June 2021. Collection method: clinical testing. Allele origin: germline. Affected: yes.
Comment: Not observed in large population cohorts (Lek et al., 2016); In silico analysis, which includes protein predictors and evolutionary conservation, supports a deleterious effect; This variant is associated with the following publications: (PMID: 16029416, 12180081, 21938455, 11115845, 31606330)

Retina International
No classification provided. Review status: no classification provided. Collection method: not provided. Allele origin: not provided. Not counted in ClinVar's aggregate classification.

NM_000273.3(GPR143):c.232G>A (p.Asp78Asn)

Gene: GPR143 (G protein-coupled receptor 143; minus strand). Cytogenetic location: Xp22.2.
Variant type: single nucleotide variant.
Coding change: c.232G>A on transcript NM_000273.3 (MANE Select); coding-DNA position 232, G replaced by A.
Protein change: p.Asp78Asn; replaces aspartic acid 78 with asparagine.
Molecular consequence: missense variant.
Genome position (GRCh38, 1-based): chrX:9,765,586, C>T on the plus strand (G>A on the coding strand, the complement: GPR143 is on the minus strand). VCF-style: chrX-9765586-C-T. GRCh37 (hg19) VCF-style: chrX-9733626-C-T.
Other names: short protein forms D78N.
Identifiers: ClinVar variation 98620 (VCV000098620.6), dbSNP rs62635024, ClinGen allele CA226167.
Genomic context (GRCh38, chrX:9,765,586, plus strand): 5'-GCGCTGATCAGATTCCAACCCGCGGGCCGCGCGCGCCCTTACCCAGGCAGCCGAGAAGGT[C>T]GCAGGCAGCGGCAGCGCGCAGGATGCGGACCGAGGCCGGCGGGGACGTCGCGGGGGACCC-3'
Protein context (NP_000264.2, residues 68-88): VRILRAAAAC[Asp78Asn]LLGCLGMVIR